The following is an entry in ClinVar:

ClinVar aggregate classification (germline): Uncertain significance (1 of 4 stars; one submission).

Conditions:
Arrhythmogenic right ventricular dysplasia 5. Also called: Arrhythmogenic Right Ventricular Dysplasia/Cardiomyopathy 5; ARRHYTHMOGENIC RIGHT VENTRICULAR DYSPLASIA, FAMILIAL, 5. Identifiers: MedGen C1858379, MONDO:0011459, OMIM 604400.

Submission:

Labcorp Genetics (formerly Invitae), Labcorp
Classification: Uncertain significance for Arrhythmogenic right ventricular dysplasia 5. Last evaluated: 2019-07-17. Review status: criteria provided, single submitter. Criteria: Invitae Variant Classification Sherloc (09022015). Collection method: clinical testing. Allele origin: germline.
Comment: This sequence change replaces threonine with serine at codon 97 of the TMEM43 protein (p.Thr97Ser). The threonine residue is moderately conserved and there is a small physicochemical difference between threonine and serine. This variant is not present in population databases (ExAC no frequency). This variant has not been reported in the literature in individuals with TMEM43-related conditions. Algorithms developed to predict the effect of missense changes on protein structure and function are either unavailable or do not agree on the potential impact of this missense change (SIFT: "Tolerated"; PolyPhen-2: "Probably Damaging"; Align-GVGD: "Class C0"). In summary, the available evidence is currently insufficient to determine the role of this variant in disease. Therefore, it has been classified as a Variant of Uncertain Significance.

NM_024334.3(TMEM43):c.289A>T (p.Thr97Ser)

Gene: TMEM43 (transmembrane protein 43; plus strand). Cytogenetic location: 3p25.1.
Variant type: single nucleotide variant.
Coding change: c.289A>T on transcript NM_024334.3 (MANE Select); coding-DNA position 289, A replaced by T.
Protein change: p.Thr97Ser; replaces threonine 97 with serine.
Molecular consequence: missense variant.
Genome position (GRCh38, 1-based): chr3:14,130,948, A>T. VCF-style: chr3-14130948-A-T. GRCh37 (hg19) VCF-style: chr3-14172448-A-T.
Other names: short protein forms T97S.
Identifiers: ClinVar variation 936141 (VCV000936141.9), dbSNP rs1695087564, ClinGen allele CA351534726.